The following is an entry in ClinVar:

ClinVar aggregate classification (germline): Uncertain significance (0 of 4 stars; one submission).

Submission:

Leiden Open Variation Database
Classification: Uncertain significance. Last evaluated: 2018-10-10. Review status: no assertion criteria provided. Collection method: curation. Allele origin: germline. Affected: yes.
Comment: Curators: Marc Tischkowitz, Arleen D. Auerbach. Submitter to LOVD: Yukihide Momozawa.

Literature cited by the submitters: PubMed 30287823.

NM_024675.4(PALB2):c.389A>T (p.His130Leu)

Gene: PALB2 (partner and localizer of BRCA2; minus strand). Cytogenetic location: 16p12.2.
Variant type: single nucleotide variant.
Coding change: c.389A>T on transcript NM_024675.4 (MANE Select); coding-DNA position 389, A replaced by T.
Protein change: p.His130Leu; replaces histidine 130 with leucine.
Molecular consequence: missense variant.
Genome position (GRCh38, 1-based): chr16:23,636,157, T>A on the plus strand (A>T on the coding strand, the complement: PALB2 is on the minus strand). VCF-style: chr16-23636157-T-A. GRCh37 (hg19) VCF-style: chr16-23647478-T-A.
Other names: short protein forms H130L.
Identifiers: ClinVar variation 830103 (VCV000830103.1), dbSNP rs1967050224, ClinGen allele CA395137446.